The following is an entry in ClinVar:

NM_000321.3(RB1):c.743G>A (p.Gly248Asp)

Gene: RB1 (RB transcriptional corepressor 1; plus strand). Cytogenetic location: 13q14.2.
Variant type: single nucleotide variant.
Coding change: c.743G>A on transcript NM_000321.3 (MANE Select); coding-DNA position 743, G replaced by A.
Protein change: p.Gly248Asp; replaces glycine 248 with aspartic acid.
Molecular consequence: missense variant.
Genome position (GRCh38, 1-based): chr13:48,362,839, G>A. VCF-style: chr13-48362839-G-A. GRCh37 (hg19) VCF-style: chr13-48936975-G-A.
Other names: c.743G>A, p.Gly248Asp (NM_001407165.1, NM_001407166.1); short protein forms G248D.
Identifiers: ClinVar variation 3613631 (VCV003613631.2).

ClinVar aggregate classification (germline): Uncertain significance (1 of 4 stars; one submission).

Conditions:
Retinoblastoma (RB1). Also called: RETINOBLASTOMA, SOMATIC. Identifiers: Orphanet 790, MedGen C0035335, MeSH D012175, MONDO:0008380, OMIM 180200, HP:0009919. Disease mechanism: loss of function. Inheritance: Both sporadic and heritable forms are tested..

Submission:

Labcorp Genetics (formerly Invitae), Labcorp
Classification: Uncertain significance for Retinoblastoma. Last evaluated: 2024-02-02. Review status: criteria provided, single submitter. Criteria: Invitae Variant Classification Sherloc (09022015). Collection method: clinical testing. Allele origin: germline.
Comment: This sequence change replaces glycine, which is neutral and non-polar, with aspartic acid, which is acidic and polar, at codon 248 of the RB1 protein (p.Gly248Asp). This variant is not present in population databases (gnomAD no frequency). This variant has not been reported in the literature in individuals affected with RB1-related conditions. Advanced modeling of protein sequence and biophysical properties (such as structural, functional, and spatial information, amino acid conservation, physicochemical variation, residue mobility, and thermodynamic stability) performed at Invitae indicates that this missense variant is not expected to disrupt RB1 protein function with a negative predictive value of 80%. In summary, the available evidence is currently insufficient to determine the role of this variant in disease. Therefore, it has been classified as a Variant of Uncertain Significance.